The following is an entry in ClinVar:

NM_001286.5(CLCN6):c.357G>C (p.Glu119Asp)

Gene: CLCN6 (chloride voltage-gated channel 6; plus strand). Cytogenetic location: 1p36.22.
Variant type: single nucleotide variant.
Coding change: c.357G>C on transcript NM_001286.5 (MANE Select); coding-DNA position 357, G replaced by C.
Protein change: p.Glu119Asp; replaces glutamic acid 119 with aspartic acid.
Molecular consequence: missense variant. On other transcripts: non-coding transcript variant (1).
Genome position (GRCh38, 1-based): chr1:11,822,705, G>C. VCF-style: chr1-11822705-G-C. GRCh37 (hg19) VCF-style: chr1-11882762-G-C.
Other names: c.291G>C, p.Glu97Asp (NM_001256959.2); short protein forms E97D, E119D.
Identifiers: ClinVar variation 2979244 (VCV002979244.3), dbSNP rs374436040, ClinGen allele CA596054.
Genomic context (GRCh38, chr1:11,822,705, plus strand): 5'-GGGGACACCCCTCGGCTGATGAACAAGTTTCCTTAACCCAGTTTCCGCAGCGGTGGAGGA[G>C]TGCAGCCAGAAAGGCTGCCTCGCTCTGTCTCTCCTTGAACTCCTGGGTTTTAACCTCACC-3'
Protein context (NP_001277.2, residues 109-129): KFGVVQTSVE[Glu119Asp]CSQKGCLALS

ClinVar aggregate classification (germline): Uncertain significance (1 of 4 stars; one submission).

Allele frequency attached by ClinVar (database versions not stated): TOPMed below 0.00001; gnomAD 0.00001; gnomAD exomes 0.00001; ExAC 0.00002; ESP Exome Variant Server 0.00008.
gnomAD v4.1: 13 of 1,610,860 alleles (0.00081%); highest among the groups gnomAD compares: South Asian, 0.0099%; no homozygotes.

Submission:

Labcorp Genetics (formerly Invitae), Labcorp
Classification: Uncertain significance. Last evaluated: 2023-07-13. Review status: criteria provided, single submitter. Criteria: Invitae Variant Classification Sherloc (09022015). Collection method: clinical testing. Allele origin: germline.
Comment: This sequence change replaces glutamic acid, which is acidic and polar, with aspartic acid, which is acidic and polar, at codon 119 of the CLCN6 protein (p.Glu119Asp). This variant is present in population databases (rs374436040, gnomAD 0.02%). This variant has not been reported in the literature in individuals affected with CLCN6-related conditions. An algorithm developed to predict the effect of missense changes on protein structure and function (PolyPhen-2) suggests that this variant is likely to be tolerated. In summary, the available evidence is currently insufficient to determine the role of this variant in disease. Therefore, it has been classified as a Variant of Uncertain Significance.